The following is an entry in ClinVar:

NM_001256789.3(CACNA1F):c.2331C>T (p.Gly777=)

Gene: CACNA1F (calcium voltage-gated channel subunit alpha1 F; minus strand). Cytogenetic location: Xp11.23.
Variant type: single nucleotide variant.
Coding change: c.2331C>T on transcript NM_001256789.3 (MANE Select); coding-DNA position 2331, C replaced by T.
Protein change: p.Gly777=; no amino-acid change (glycine 777 retained).
Molecular consequence: synonymous variant.
Genome position (GRCh38, 1-based): chrX:49,221,038, G>A on the plus strand (C>T on the coding strand, the complement: CACNA1F is on the minus strand). VCF-style: chrX-49221038-G-A. GRCh37 (hg19) VCF-style: chrX-49077497-G-A.
Other names: c.2169C>T, p.Gly723= (NM_001256790.3); c.2364C>T, p.Gly788= (NM_005183.4).
Identifiers: ClinVar variation 1042473 (VCV001042473.8), dbSNP rs369217056, ClinGen allele CA10410707.
Genomic context (GRCh38, chrX:49,221,038, plus strand): 5'-ATAGACAGGTAGTGGTGGGAGTGGGAGGTGTAGACAGTGCCCAGGCATCTAACTCACCAG[G>A]CCTTCATTCTCCTGTGGGAGATCCTTCTCATTGCTCTTCTCCCTGTGCGAGGAAATAGGG-3'
Protein context (NP_001243718.1, residues 767-787): NEKDLPQENE[Gly777=]LVPGVEKEEE

ClinVar aggregate classification (germline): Uncertain significance (1 of 4 stars; one submission).

Allele frequency attached by ClinVar (database versions not stated): gnomAD exomes below 0.00001 and 0.00001; TOPMed below 0.00001; ExAC 0.00001; ESP Exome Variant Server 0.00009.
gnomAD v4.1: 2 of 1,207,326 alleles (0.00017%); highest among the groups gnomAD compares: Non-Finnish European, 0.00022%; no homozygotes.

Submission:

Labcorp Genetics (formerly Invitae), Labcorp
Classification: Uncertain significance. Last evaluated: 2023-06-09. Review status: criteria provided, single submitter. Criteria: Invitae Variant Classification Sherloc (09022015). Collection method: clinical testing. Allele origin: germline.
Comment: This variant is present in population databases (rs369217056, gnomAD 0.003%). In summary, the available evidence is currently insufficient to determine the role of this variant in disease. Therefore, it has been classified as a Variant of Uncertain Significance. Algorithms developed to predict the effect of sequence changes on RNA splicing suggest that this variant may create or strengthen a splice site. ClinVar contains an entry for this variant (Variation ID: 1042473). This variant has not been reported in the literature in individuals affected with CACNA1F-related conditions. This sequence change affects codon 788 of the CACNA1F mRNA. It is a 'silent' change, meaning that it does not change the encoded amino acid sequence of the CACNA1F protein.